The following is an entry in ClinVar:

NM_020949.3(SLC7A14):c.1294C>G (p.Gln432Glu)

Genes: SLC7A14 (solute carrier family 7 member 14; minus strand), SLC7A14-AS1 (SLC7A14 antisense RNA 1; plus strand). Cytogenetic location: 3q26.2.
Variant type: single nucleotide variant.
Coding change: c.1294C>G on transcript NM_020949.3 (MANE Select); coding-DNA position 1294, C replaced by G.
Protein change: p.Gln432Glu; replaces glutamine 432 with glutamic acid.
Molecular consequence: missense variant.
Genome position (GRCh38, 1-based): chr3:170,480,988, G>C on the plus strand (C>G on the coding strand, the complement: SLC7A14 is on the minus strand). VCF-style: chr3-170480988-G-C. GRCh37 (hg19) VCF-style: chr3-170198777-G-C.
Other names: short protein forms Q432E.
Identifiers: ClinVar variation 1447318 (VCV001447318.8), dbSNP rs978393586, ClinGen allele CA87710373.

ClinVar aggregate classification (germline): Uncertain significance (1 of 4 stars; one submission).

Allele frequency attached by ClinVar (database versions not stated): gnomAD exomes below 0.00001 and 0.00001; gnomAD 0.00002; TOPMed 0.00003.
gnomAD v4.1: 6 of 1,613,950 alleles (0.00037%); highest among the groups gnomAD compares: African/African-American, 0.0053%; no homozygotes.

Submission:

Labcorp Genetics (formerly Invitae), Labcorp
Classification: Uncertain significance. Last evaluated: 2024-08-08. Review status: criteria provided, single submitter. Criteria: Invitae Variant Classification Sherloc (09022015). Collection method: clinical testing. Allele origin: germline.
Comment: This sequence change replaces glutamine, which is neutral and polar, with glutamic acid, which is acidic and polar, at codon 432 of the SLC7A14 protein (p.Gln432Glu). This variant is present in population databases (no rsID available, gnomAD 0.006%). This variant has not been reported in the literature in individuals affected with SLC7A14-related conditions. ClinVar contains an entry for this variant (Variation ID: 1447318). An algorithm developed to predict the effect of missense changes on protein structure and function (PolyPhen-2) suggests that this variant is likely to be disruptive. In summary, the available evidence is currently insufficient to determine the role of this variant in disease. Therefore, it has been classified as a Variant of Uncertain Significance.